The following is an entry in ClinVar:

ClinVar aggregate classification (germline): Uncertain significance. Review status: criteria provided, multiple submitters, no conflicts (2 of 4 stars). 2 submissions from 2 submitters: Uncertain significance (2). Last evaluated 2024-09-06.

Conditions:
Alstrom syndrome (ALMS). Identifiers: Orphanet 64, MedGen C0268425, MONDO:0008763, OMIM 203800.

Submissions (2):

Labcorp Genetics (formerly Invitae), Labcorp
Classification: Uncertain significance for Alstrom syndrome. Last evaluated: 2024-09-06. Review status: criteria provided, single submitter. Criteria: Invitae Variant Classification Sherloc (09022015). Collection method: clinical testing. Allele origin: germline.
Comment: This variant, c.1840_1841delinsAA, is a complex sequence change that results in the deletion of 1 and insertion of 1 amino acid(s) in the ALMS1 protein (p.Gly614Asn). Information on the frequency of this variant in the gnomAD database is not available, as this variant may be reported differently in the database. This variant has not been reported in the literature in individuals affected with ALMS1-related conditions. ClinVar contains an entry for this variant (Variation ID: 1504489). Experimental studies and prediction algorithms are not available or were not evaluated, and the functional significance of this variant is currently unknown. In summary, the available evidence is currently insufficient to determine the role of this variant in disease. Therefore, it has been classified as a Variant of Uncertain Significance.

Fulgent Genetics
Classification: Uncertain significance for Alstrom syndrome. Last evaluated: 2021-07-07. Review status: criteria provided, single submitter. Criteria: ACMG Guidelines, 2015. Collection method: clinical testing. Allele origin: unknown.

NM_001378454.1(ALMS1):c.1837_1838delinsAA (p.Gly613Asn)

Gene: ALMS1 (ALMS1 centrosome and basal body associated protein; plus strand). Cytogenetic location: 2p13.1.
Variant type: Indel.
Coding change: c.1837_1838delinsAA on transcript NM_001378454.1 (MANE Select); coding-DNA positions 1837 to 1838, GG replaced by AA.
Protein change: p.Gly613Asn; replaces glycine 613 with asparagine.
Molecular consequence: missense variant.
Genome position (GRCh38, 1-based): chr2:73,448,364-73,448,365, GG replaced by AA. VCF-style: chr2-73448364-GG-AA. GRCh37 (hg19) VCF-style: chr2-73675491-GG-AA.
Other names: c.1840_1841delinsAA, p.Gly614Asn (NM_015120.4); short protein forms G613N, G614N.
Identifiers: ClinVar variation 1504489 (VCV001504489.5), dbSNP rs2103772404, ClinGen allele CA2573135750.